The following is an entry in ClinVar:

NM_002474.3(MYH11):c.5561T>C (p.Ile1854Thr)

Genes: MYH11 (myosin heavy chain 11; minus strand), NDE1 (nudE neurodevelopment protein 1; plus strand). Cytogenetic location: 16p13.11.
Variant type: single nucleotide variant.
Coding change: c.5561T>C on transcript NM_002474.3 (MANE Select); coding-DNA position 5561, T replaced by C.
Protein change: p.Ile1854Thr; replaces isoleucine 1854 with threonine.
Molecular consequence: missense variant. On other transcripts: intron variant (2).
Genome position (GRCh38, 1-based): chr16:15,715,216, A>G on the plus strand (T>C on the coding strand, the complement: MYH11 is on the minus strand). VCF-style: chr16-15715216-A-G. GRCh37 (hg19) VCF-style: chr16-15809073-A-G.
Other names: c.5582T>C, p.Ile1861Thr (NM_001040113.2, NM_001040114.2); c.5561T>C, p.Ile1854Thr (NM_022844.3); c.948-8975A>G (NM_001143979.2, NM_017668.3); short protein forms I1861T, I1854T.
Identifiers: ClinVar variation 4705200 (VCV004705200.1).

ClinVar aggregate classification (germline): Uncertain significance (1 of 4 stars; one submission).

Conditions:
Aortic aneurysm, familial thoracic 4 (AAT4). Also called: AORTIC ANEURYSM/AORTIC DISSECTION AND PATENT DUCTUS ARTERIOSUS. Identifiers: MedGen C1851504, MONDO:0007568, OMIM 132900.

Submission:

Labcorp Genetics (formerly Invitae), Labcorp
Classification: Uncertain significance for Aortic aneurysm, familial thoracic 4. Last evaluated: 2025-03-05. Review status: criteria provided, single submitter. Criteria: Invitae Variant Classification Sherloc (09022015). Collection method: clinical testing. Allele origin: germline.
Comment: This sequence change replaces isoleucine, which is neutral and non-polar, with threonine, which is neutral and polar, at codon 1861 of the MYH11 protein (p.Ile1861Thr). This variant is not present in population databases (gnomAD no frequency). This variant has not been reported in the literature in individuals affected with MYH11-related conditions. Invitae Evidence Modeling of protein sequence and biophysical properties (such as structural, functional, and spatial information, amino acid conservation, physicochemical variation, residue mobility, and thermodynamic stability) indicates that this missense variant is not expected to disrupt MYH11 protein function with a negative predictive value of 95%. In summary, the available evidence is currently insufficient to determine the role of this variant in disease. Therefore, it has been classified as a Variant of Uncertain Significance.